The following is an entry in ClinVar:

NM_000388.4(CASR):c.130G>A (p.Val44Ile)

Gene: CASR (calcium sensing receptor; plus strand). Cytogenetic location: 3q21.1.
Variant type: single nucleotide variant.
Coding change: c.130G>A on transcript NM_000388.4 (MANE Select); coding-DNA position 130, G replaced by A.
Protein change: p.Val44Ile; replaces valine 44 with isoleucine.
Molecular consequence: missense variant.
Genome position (GRCh38, 1-based): chr3:122,254,319, G>A. VCF-style: chr3-122254319-G-A. GRCh37 (hg19) VCF-style: chr3-121973166-G-A.
Other names: c.130G>A, p.Val44Ile (NM_001178065.2); short protein forms V44I.
Identifiers: ClinVar variation 1052340 (VCV001052340.12), dbSNP rs2074530467, ClinGen allele CA354362193.
Genomic context (GRCh38, chr3:122,254,319, plus strand): 5'-CAGCGAGCCCAAAAGAAGGGGGACATTATCCTTGGGGGGCTCTTTCCTATTCATTTTGGA[G>A]TAGCAGCTAAAGATCAAGATCTCAAATCAAGGCCGGAGTCTGTGGAATGTATCAGGTAAG-3'
Protein context (NP_000379.3, residues 34-54): LGGLFPIHFG[Val44Ile]AAKDQDLKSR

ClinVar aggregate classification (germline): Uncertain significance. Review status: criteria provided, multiple submitters, no conflicts (2 of 4 stars). 3 submissions from 3 submitters: Uncertain significance (3). Last evaluated 2025-09-27.

Conditions:
Nephrolithiasis/nephrocalcinosis. Identifiers: MedGen CN580796.
Familial hypocalciuric hypercalcemia (FHH). Also called: Familial benign hypercalcemia. Identifiers: Orphanet 405, MedGen C1809471, MONDO:0018458.
Autosomal dominant hypocalcemia 1 (HYPOC1). Also called: HYPOCALCEMIA, FAMILIAL. Identifiers: MedGen C3715128, MONDO:0011013, OMIM 601198.
Familial hypocalciuric hypercalcemia 1. Also called: Hypercalcemia, familial benign type 1. Identifiers: Orphanet 405, Orphanet 93372, MedGen C0342637, MONDO:0007791, OMIM 145980.
Epilepsy, idiopathic generalized, susceptibility to, 8. Identifiers: MedGen C2752062, MONDO:0013032, OMIM 612899.
Neonatal severe primary hyperparathyroidism. Identifiers: Orphanet 417, MedGen C1832615, MONDO:0009397, OMIM 239200.

Allele frequency attached by ClinVar (database versions not stated): gnomAD exomes below 0.00001; TOPMed below 0.00001.

Submissions (3):

Labcorp Genetics (formerly Invitae), Labcorp
Classification: Uncertain significance for Familial hypocalciuric hypercalcemia; Autosomal dominant hypocalcemia 1. Last evaluated: 2025-09-27. Review status: criteria provided, single submitter. Criteria: Invitae Variant Classification Sherloc (09022015). Collection method: clinical testing. Allele origin: germline.
Comment: This sequence change replaces valine, which is neutral and non-polar, with isoleucine, which is neutral and non-polar, at codon 44 of the CASR protein (p.Val44Ile). This variant is not present in population databases (gnomAD no frequency). This variant has not been reported in the literature in individuals affected with CASR-related conditions. ClinVar contains an entry for this variant (Variation ID: 1052340). An algorithm developed to predict the effect of missense changes on protein structure and function (PolyPhen-2) suggests that this variant is likely to be tolerated. In summary, the available evidence is currently insufficient to determine the role of this variant in disease. Therefore, it has been classified as a Variant of Uncertain Significance.

Fulgent Genetics
Classification: Uncertain significance for Familial hypocalciuric hypercalcemia 1; Neonatal severe primary hyperparathyroidism; Autosomal dominant hypocalcemia 1; Epilepsy, idiopathic generalized, susceptibility to, 8. Last evaluated: 2022-05-31. Review status: criteria provided, single submitter. Criteria: ACMG Guidelines, 2015. Collection method: clinical testing. Allele origin: unknown.

Ambry Genetics
Classification: Uncertain significance for Nephrolithiasis/nephrocalcinosis. Last evaluated: 2022-02-22. Review status: criteria provided, single submitter. Criteria: Ambry Variant Classification Scheme 2023. Collection method: clinical testing. Allele origin: germline.
Comment: The p.V44I variant (also known as c.130G>A), located in coding exon 1 of the CASR gene, results from a G to A substitution at nucleotide position 130. The valine at codon 44 is replaced by isoleucine, an amino acid with highly similar properties. This amino acid position is conserved. In addition, the in silico prediction for this alteration is inconclusive. Since supporting evidence is limited at this time, the clinical significance of this alteration remains unclear.